The following is an entry in ClinVar:

NM_181882.3(PRX):c.281_283del (p.Phe94del)

Gene: PRX (periaxin; minus strand). Cytogenetic location: 19q13.2.
Variant type: Deletion.
Coding change: c.281_283del on transcript NM_181882.3 (MANE Select); coding-DNA positions 281 to 283, 3 bases deleted (TCT; older notation c.281_283delTCT).
Protein change: p.Phe94del; deletes phenylalanine 94.
Molecular consequence: inframe deletion.
Genome position (GRCh38, 1-based): chr19:40,398,718-40,398,720, AGA deleted on the plus strand (TCT on the coding strand, the reverse complement: PRX is on the minus strand); deleting any 3 consecutive bases within chr19:40,398,718-40,398,722 gives the same sequence; the c. name uses the placement nearest the transcript's 3' end. VCF-style (leftmost placement, unchanged base first): chr19-40398717-CAGA-C. GRCh37 (hg19) VCF-style: chr19-40904624-CAGA-C.
Other names: c.281_283del, p.Phe94del (NM_020956.2); c.281_283delTCT (NM_181882.3, NM_020956.2, NM_181882.2); short protein forms F94del.
Identifiers: ClinVar variation 575102 (VCV000575102.12), dbSNP rs1424434006, ClinGen allele CA633466440.

ClinVar aggregate classification (germline): Uncertain significance. Review status: criteria provided, multiple submitters, no conflicts (2 of 4 stars). 5 submissions from 5 submitters: Uncertain significance (5). Last evaluated 2025-01-13.

Conditions:
Charcot-Marie-Tooth disease type 4. Also called: Charcot-Marie-Tooth disease, type IV; Charcot-Marie-Tooth, Type 4. Identifiers: Orphanet 64749, MedGen C4082197, MONDO:0018995.
Inborn genetic diseases. Identifiers: MedGen C0950123, MeSH D030342.
Charcot-Marie-Tooth disease. Also called: Charcot-Marie-Tooth Hereditary Neuropathy; Charcot-Marie-Tooth Neuropathy. Identifiers: Orphanet 166, MedGen C0007959, MONDO:0015626.

Submissions (5):

Women's Health and Genetics/Laboratory Corporation of America, LabCorp
Classification: Uncertain significance. Last evaluated: 2025-01-13. Review status: criteria provided, single submitter. Criteria: LabCorp Variant Classification Summary - May 2015. Collection method: clinical testing. Allele origin: germline.
Comment: Variant summary: PRX c.281_283delTCT (p.Phe94del) results in an in-frame deletion that is predicted to remove one amino acid from the encoded protein. The variant allele was found at a frequency of 4e-06 in 249870 control chromosomes. The available data on variant occurrences in the general population are insufficient to allow any conclusion about variant significance. c.281_283delTCT has been reported in the literature in at-least one individual affected with Charcot-Marie-Tooth disease type (example: Volodarsky_2021). These report(s) do not provide unequivocal conclusions about association of the variant with Charcot-Marie-Tooth disease type 4F. To our knowledge, no experimental evidence demonstrating an impact on protein function has been reported. The following publication has been ascertained in the context of this evaluation (PMID: 32376792). ClinVar contains an entry for this variant (Variation ID: 575102). Based on the evidence outlined above, the variant was classified as uncertain significance.

Labcorp Genetics (formerly Invitae), Labcorp
Classification: Uncertain significance for Charcot-Marie-Tooth disease type 4. Last evaluated: 2022-07-05. Review status: criteria provided, single submitter. Criteria: Invitae Variant Classification Sherloc (09022015). Collection method: clinical testing. Allele origin: germline.
Comment: This variant, c.281_283del, results in the deletion of 1 amino acid(s) of the PRX protein (p.Phe94del), but otherwise preserves the integrity of the reading frame. This variant is present in population databases (no rsID available, gnomAD 0.003%). This variant has been observed in individual(s) with PRX-related conditions (PMID: 32376792). ClinVar contains an entry for this variant (Variation ID: 575102). Experimental studies and prediction algorithms are not available or were not evaluated, and the functional significance of this variant is currently unknown. In summary, the available evidence is currently insufficient to determine the role of this variant in disease. Therefore, it has been classified as a Variant of Uncertain Significance.

Ambry Genetics
Classification: Uncertain significance for Inborn genetic diseases. Last evaluated: 2020-03-05. Review status: criteria provided, single submitter. Criteria: Ambry Variant Classification Scheme 2023. Collection method: clinical testing. Allele origin: germline.
Comment: The c.281_283delTCT variant (also known as p.F94del) is located in coding exon 3 of the PRX gene. This variant results from an in-frame TCT deletion at nucleotide positions 281 to 283. This results in the in-frame deletion of a phenylalanine at codon 94. This amino acid position is highly conserved in available vertebrate species. In addition, this alteration is predicted to be deleterious by in silico analysis (Choi Y et al. PLoS ONE. 2012; 7(10):e46688). Since supporting evidence is limited at this time, the clinical significance of this alteration remains unclear.

GeneDx
Classification: Uncertain significance. Last evaluated: 2019-04-09. Review status: criteria provided, single submitter. Criteria: GeneDx Variant Classification Process June 2021. Collection method: clinical testing. Allele origin: germline. Affected: yes.
Comment: Not observed at a significant frequency in large population cohorts (Lek et al., 2016); In-frame deletion of 1 amino acid in a non-repeat region; In silico analysis, which includes protein predictors and evolutionary conservation, supports a deleterious effect; Has not been previously published as pathogenic or benign to our knowledge

Molecular Genetics Laboratory, London Health Sciences Centre
Classification: Uncertain significance for Charcot-Marie-Tooth disease. Review status: criteria provided, single submitter. Criteria: ACMG Guidelines, 2015. Collection method: clinical testing. Allele origin: germline. Affected: yes.

Literature cited by the submitters: PubMed 32376792 (cited by Women's Health and Genetics/Laboratory Corporation of America, LabCorp and Labcorp Genetics (formerly Invitae), Labcorp); PubMed 23056405 (cited by Ambry Genetics).